The following is an entry in ClinVar:

NM_001291867.2(NHS):c.2304A>G (p.Ser768=)

Gene: NHS (NHS actin remodeling regulator; plus strand). Cytogenetic location: Xp22.13.
Variant type: single nucleotide variant.
Coding change: c.2304A>G on transcript NM_001291867.2 (MANE Select); coding-DNA position 2304, A replaced by G.
Protein change: p.Ser768=; no amino-acid change (serine 768 retained).
Molecular consequence: synonymous variant.
Genome position (GRCh38, 1-based): chrX:17,726,410, A>G. VCF-style: chrX-17726410-A-G. GRCh37 (hg19) VCF-style: chrX-17744530-A-G.
Other names: c.1773A>G, p.Ser591= (NM_001136024.4); c.1710A>G, p.Ser570= (NM_001291868.2); c.1965A>G, p.Ser655= (NM_001440780.1); c.2241A>G, p.Ser747= (NM_198270.4).
Identifiers: ClinVar variation 4980599 (VCV004980599.1).

ClinVar aggregate classification (germline): Likely benign (1 of 4 stars; one submission).

Conditions:
NHS-related disorder. Also called: NHS-related condition.

gnomAD v4.1: 5 of 1,210,761 alleles (0.00041%); highest among the groups gnomAD compares: Non-Finnish European, 0.00045%; no homozygotes.

Submission:

PreventionGenetics, part of Exact Sciences
Classification: Likely benign for NHS-related condition. Last evaluated: 2026-04-10. Review status: criteria provided, single submitter. Criteria: ACMG Guidelines, 2015. Collection method: clinical testing. Allele origin: germline.
Comment: This variant is classified as likely benign based on ACMG/AMP sequence variant interpretation guidelines (Richards et al. 2015 PMID: 25741868, with internal and published modifications).